The following is an entry in ClinVar:

NM_170707.4(LMNA):c.986dup (p.Arg329_Glu330insTer)

Gene: LMNA (lamin A/C; plus strand). Cytogenetic location: 1q22.
Variant type: Duplication.
Coding change: c.986dup on transcript NM_170707.4 (MANE Select); coding-DNA position 986, one base duplicated (G; older notation c.986dupG).
Protein change: p.Arg329_Glu330insTer.
Molecular consequence: frameshift variant. On other transcripts: nonsense (22).
Genome position (GRCh38, 1-based): chr1:156,135,950, G duplicated. VCF-style (leftmost placement, unchanged base first): chr1-156135949-C-CG. GRCh37 (hg19) VCF-style: chr1-156105740-C-CG.
Other names: c.650dup, p.Arg217_Glu218insTer (NM_001257374.3); c.743dup, p.Arg248_Glu249insTer (NM_001282624.2); c.986dup, p.Arg329_Glu330insTer (NM_001282625.2, NM_001282626.2, NM_005572.4 and 1 more transcripts); c.986dup, p.Glu330Terfs (NM_001406983.1, NM_001406984.1, NM_001406985.1 and 2 more transcripts); c.743dup, p.Glu249Terfs (NM_001406986.1, NM_001406987.1); c.689dup, p.Glu231Terfs (NM_001406988.1); c.650dup, p.Glu218Terfs (NM_001406989.1, NM_001406998.1); c.428dup, p.Glu144Terfs (NM_001406990.1, NM_001406993.1, NM_001406995.1 and 4 more transcripts); and 2 more.
Identifiers: ClinVar variation 1768448 (VCV001768448.2), dbSNP rs2527990239, ClinGen allele CA2580061190.
Genomic context (GRCh38, chr1:156,135,949, plus strand): 5'-ACCCCCCTTCAGCTGGCAGCCAAGGAGGCGAAGCTTCGAGACCTGGAGGACTCACTGGCC[C>CG]GTGAGCGGGACACCAGCCGGCGGCTGCTGGCGGAAAAGGAGCGGGAGATGGCCGAGATGC-3'

ClinVar aggregate classification (germline): Pathogenic (1 of 4 stars; one submission).

Conditions:
Cardiovascular phenotype. Identifiers: MedGen CN230736.

Submission:

Ambry Genetics
Classification: Pathogenic for Cardiovascular phenotype. Last evaluated: 2020-01-28. Review status: criteria provided, single submitter. Criteria: Ambry Variant Classification Scheme 2023. Collection method: clinical testing. Allele origin: germline.
Comment: The c.986dupG pathogenic mutation, located in coding exon 6 of the LMNA gene, results from a duplication of G at nucleotide position 986, causing a translational frameshift with a predicted alternate stop codon (p.E330*). This alteration is expected to result in loss of function by premature protein truncation or nonsense-mediated mRNA decay. As such, this alteration is interpreted as a disease-causing mutation.